The following is an entry in ClinVar:

NM_000379.4(XDH):c.1630G>A (p.Ala544Thr)

Gene: XDH (xanthine dehydrogenase; minus strand). Cytogenetic location: 2p23.1.
Variant type: single nucleotide variant.
Coding change: c.1630G>A on transcript NM_000379.4 (MANE Select); coding-DNA position 1630, G replaced by A.
Protein change: p.Ala544Thr; replaces alanine 544 with threonine.
Molecular consequence: missense variant.
Genome position (GRCh38, 1-based): chr2:31,373,929, C>T on the plus strand (G>A on the coding strand, the complement: XDH is on the minus strand). VCF-style: chr2-31373929-C-T. GRCh37 (hg19) VCF-style: chr2-31596795-C-T.
Other names: short protein forms A544T.
Identifiers: ClinVar variation 1706241 (VCV001706241.4), dbSNP rs750230700, ClinGen allele CA1599158.

ClinVar aggregate classification (germline): Uncertain significance. Review status: criteria provided, multiple submitters, no conflicts (2 of 4 stars). 3 submissions from 3 submitters: Uncertain significance (3). Last evaluated 2025-08-26.

Conditions:
Inborn genetic diseases. Identifiers: MedGen C0950123, MeSH D030342.
Xanthinuria type II. Also called: Xanthine dehydrogenase and aldehyde oxidase combined deficiency of; XDH and AOX dual deficiency. Identifiers: Orphanet 3467, Orphanet 93602, MedGen C1863688, MONDO:0011346, OMIM 603592.

Allele frequency attached by ClinVar (database versions not stated): gnomAD 0.00001; gnomAD exomes 0.00002; TOPMed 0.00002; ExAC 0.00007.
gnomAD v4.1: 25 of 1,613,678 alleles (0.0015%); highest among the groups gnomAD compares: South Asian, 0.022%; no homozygotes.

Submissions (3):

Labcorp Genetics (formerly Invitae), Labcorp
Classification: Uncertain significance for Xanthinuria type II. Last evaluated: 2025-08-26. Review status: criteria provided, single submitter. Criteria: Invitae Variant Classification Sherloc (09022015). Collection method: clinical testing. Allele origin: germline.
Comment: This sequence change replaces alanine, which is neutral and non-polar, with threonine, which is neutral and polar, at codon 544 of the XDH protein (p.Ala544Thr). This variant is present in population databases (rs750230700, gnomAD 0.04%). This variant has not been reported in the literature in individuals affected with XDH-related conditions. ClinVar contains an entry for this variant (Variation ID: 1706241). An algorithm developed to predict the effect of missense changes on protein structure and function outputs the following: PolyPhen-2: "Benign". The threonine amino acid residue is found in multiple mammalian species, which suggests that this missense change does not adversely affect protein function. In summary, the available evidence is currently insufficient to determine the role of this variant in disease. Therefore, it has been classified as a Variant of Uncertain Significance.

Ambry Genetics
Classification: Uncertain significance for Inborn genetic diseases. Last evaluated: 2024-08-26. Review status: criteria provided, single submitter. Criteria: Ambry Variant Classification Scheme 2023. Collection method: clinical testing. Allele origin: germline.

GeneDx
Classification: Uncertain significance. Last evaluated: 2022-03-17. Review status: criteria provided, single submitter. Criteria: GeneDx Variant Classification Process June 2021. Collection method: clinical testing. Allele origin: germline. Affected: yes.
Comment: Has not been previously published as pathogenic or benign to our knowledge; In silico analysis supports that this missense variant does not alter protein structure/function